The following is an entry in ClinVar:

ClinVar aggregate classification (germline): Likely benign (1 of 4 stars; one submission).

Allele frequency attached by ClinVar (database versions not stated): gnomAD 0.01049; 1000 Genomes Project 0.01338; 1000 Genomes Project 30x 0.01593.
gnomAD v4.1: 2,699 of 1,231,944 alleles (0.22%); highest among the groups gnomAD compares: African/African-American, 3.6%; 41 homozygotes.

Submission:

GeneDx
Classification: Likely benign. Last evaluated: 2022-01-01. Review status: criteria provided, single submitter. Criteria: GeneDx Variant Classification Process June 2021. Collection method: clinical testing. Allele origin: germline. Affected: yes.
Comment: See Variant Classification Assertion Criteria.

NM_012301.4(MAGI2):c.3204-67C>G

Gene: MAGI2 (membrane associated guanylate kinase, WW and PDZ domain containing 2; minus strand). Cytogenetic location: 7q21.11.
Variant type: single nucleotide variant.
Coding change: c.3204-67C>G on transcript NM_012301.4 (MANE Select); 67 bases into the intron before coding-DNA position 3204, C replaced by G.
Molecular consequence: intron variant.
Genome position (GRCh38, 1-based): chr7:78,127,483, G>C on the plus strand (C>G on the coding strand, the complement: MAGI2 is on the minus strand). VCF-style: chr7-78127483-G-C. GRCh37 (hg19) VCF-style: chr7-77756800-G-C.
Other names: c.3162-67C>G (NM_001301128.2).
Identifiers: ClinVar variation 1800489 (VCV001800489.1), dbSNP rs73364760, ClinGen allele CA161033232.